The following is an entry in ClinVar:

NM_199420.4(POLQ):c.4387C>T (p.Pro1463Ser)

Gene: POLQ (DNA polymerase theta; minus strand). Cytogenetic location: 3q13.33.
Variant type: single nucleotide variant.
Coding change: c.4387C>T on transcript NM_199420.4 (MANE Select); coding-DNA position 4387, C replaced by T.
Protein change: p.Pro1463Ser; replaces proline 1463 with serine.
Molecular consequence: missense variant.
Genome position (GRCh38, 1-based): chr3:121,488,544, G>A on the plus strand (C>T on the coding strand, the complement: POLQ is on the minus strand). VCF-style: chr3-121488544-G-A. GRCh37 (hg19) VCF-style: chr3-121207391-G-A.
Other names: short protein forms P1463S.
Identifiers: ClinVar variation 3422328 (VCV003422328.1).

ClinVar aggregate classification (germline): Uncertain significance (1 of 4 stars; one submission).

gnomAD v4.1: 1 of 1,611,386 alleles (0.000062%); highest among the groups gnomAD compares: Non-Finnish European, 0.000085%; no homozygotes.

Submission:

Ambry Genetics
Classification: Uncertain significance. Last evaluated: 2024-09-12. Review status: criteria provided, single submitter. Criteria: Ambry Variant Classification Scheme 2023. Collection method: clinical testing. Allele origin: germline.
Comment: The p.P1463S variant (also known as c.4387C>T), located in coding exon 16 of the POLQ gene, results from a C to T substitution at nucleotide position 4387. The proline at codon 1463 is replaced by serine, an amino acid with similar properties. This amino acid position is conserved. In addition, this alteration is predicted to be tolerated by in silico analysis. Based on the available evidence, the clinical significance of this variant remains unclear.